The following is an entry in ClinVar:

NM_006185.4(NUMA1):c.3104A>G (p.Gln1035Arg)

Genes: NUMA1 (nuclear mitotic apparatus protein 1; minus strand), NUMA1-AS1 (NUMA1 antisense RNA 1; plus strand). Cytogenetic location: 11q13.4.
Variant type: single nucleotide variant.
Coding change: c.3104A>G on transcript NM_006185.4 (MANE Select); coding-DNA position 3104, A replaced by G.
Protein change: p.Gln1035Arg; replaces glutamine 1035 with arginine.
Molecular consequence: missense variant.
Genome position (GRCh38, 1-based): chr11:72,014,399, T>C on the plus strand (A>G on the coding strand, the complement: NUMA1 is on the minus strand). VCF-style: chr11-72014399-T-C. GRCh37 (hg19) VCF-style: chr11-71725445-T-C.
Other names: c.3104A>G, p.Gln1035Arg (NM_001286561.2); short protein forms Q1035R.
Identifiers: ClinVar variation 2642112 (VCV002642112.24), dbSNP rs2495753591, ClinGen allele CA381755151.

ClinVar aggregate classification (germline): Uncertain significance (1 of 4 stars; one submission).

Submission:

CeGaT Center for Human Genetics Tuebingen
Classification: Uncertain significance. Last evaluated: 2022-05-01. Review status: criteria provided, single submitter. Criteria: CeGaT Center For Human Genetics Tuebingen Variant Classification Criteria Version 2. Collection method: clinical testing. Allele origin: germline. Affected: yes. Observed: 1 variant allele.
Comment: NUMA1: PM2